The following is an entry in ClinVar:

NM_000138.5(FBN1):c.4265A>G (p.Asn1422Ser)

Genes: FBN1 (fibrillin 1; minus strand), LOC126862124 (CDK7 strongly-dependent group 2 enhancer GRCh37_chr15:48764566-48765765; plus strand). Cytogenetic location: 15q21.1.
Variant type: single nucleotide variant.
Coding change: c.4265A>G on transcript NM_000138.5 (MANE Select); coding-DNA position 4265, A replaced by G.
Protein change: p.Asn1422Ser; replaces asparagine 1422 with serine.
Molecular consequence: missense variant.
Genome position (GRCh38, 1-based): chr15:48,472,622, T>C on the plus strand (A>G on the coding strand, the complement: FBN1 is on the minus strand). VCF-style: chr15-48472622-T-C. GRCh37 (hg19) VCF-style: chr15-48764819-T-C.
Other names: short protein forms N1422S.
Identifiers: ClinVar variation 372659 (VCV000372659.17), dbSNP rs1057517910, ClinGen allele CA16042874.
Genomic context (GRCh38, chr15:48,472,622, plus strand): 5'-TTCCCGTCAGCACTGGGCACGAAGCCCATGTCGCATTCACAGCGGTATCCTCCTGGTGCA[T>C]TGAGGCACTGGCCATTGCCACAGAGATTCAGGTTCTCAGAGCACTCATCAAGGTCTACAG-3'
Protein context (NP_000129.3, residues 1412-1432): LNLCGNGQCL[Asn1422Ser]APGGYRCECD

ClinVar aggregate classification (germline): Conflicting classifications of pathogenicity. Review status: criteria provided, conflicting classifications (1 of 4 stars). 4 submissions from 4 submitters: Likely pathogenic (3); Uncertain significance (1). Last evaluated 2026-01-27.

Conditions:
Marfan syndrome (MFS). Also called: Marfan syndrome, classic; Marfan syndrome type 1; Marfan's syndrome; MARFAN SYNDROME, TYPE I; FBN1-Related Marfan Syndrome. Identifiers: Orphanet 284963, Orphanet 558, MedGen C0024796, MONDO:0007947, OMIM 154700.
Familial thoracic aortic aneurysm and aortic dissection (TAAD). Also called: Thoracic aortic aneurysms and dissections. Identifiers: Orphanet 91387, MedGen C4707243, MONDO:0019625.
FBN1-related disorder. Also called: FBN1-related disorders.

Submissions (4):

Labcorp Genetics (formerly Invitae), Labcorp
Classification: Uncertain significance for Marfan syndrome; Familial thoracic aortic aneurysm and aortic dissection. Last evaluated: 2026-01-27. Review status: criteria provided, single submitter. Criteria: Invitae Variant Classification Sherloc (09022015). Collection method: clinical testing. Allele origin: germline.
Comment: This sequence change replaces asparagine, which is neutral and polar, with serine, which is neutral and polar, at codon 1422 of the FBN1 protein (p.Asn1422Ser). This variant is not present in population databases (gnomAD no frequency). This missense change has been observed in individual(s) with aortic dissection and/or clinical features of Marfan syndrome (PMID: 28973303, 31536524). ClinVar contains an entry for this variant (Variation ID: 372659). Invitae Evidence Modeling of protein sequence and biophysical properties (such as structural, functional, and spatial information, amino acid conservation, physicochemical variation, residue mobility, and thermodynamic stability) indicates that this missense variant is expected to disrupt FBN1 protein function with a positive predictive value of 95%. This variant disrupts the p.Asn1422 amino acid residue in FBN1. Other variant(s) that disrupt this residue have been observed in individuals with FBN1-related conditions (internal data), which suggests that this may be a clinically significant amino acid residue. In summary, the available evidence is currently insufficient to determine the role of this variant in disease. Therefore, it has been classified as a Variant of Uncertain Significance.

Institute of Human Genetics Munich, TUM University Hospital
Classification: Likely pathogenic for Marfan syndrome. Last evaluated: 2024-01-23. Review status: criteria provided, single submitter. Criteria: Classification criteria August 2017. Collection method: clinical testing. Allele origin: germline. Inheritance: Autosomal dominant inheritance. Affected: yes. Observed: 1 variant allele.

Blueprint Genetics
Classification: Likely pathogenic for FBN1-related disorders. Last evaluated: 2022-10-07. Review status: criteria provided, single submitter. Criteria: ACMG Guidelines, 2015. Collection method: clinical testing. Allele origin: germline. Affected: yes. Observed: 2 variant alleles.

GeneDx
Classification: Likely pathogenic. Last evaluated: 2016-08-25. Review status: criteria provided, single submitter. Criteria: GeneDx Variant Classification (06012015). Collection method: clinical testing. Allele origin: germline. Affected: yes.
Comment: The N1422S variant in the FBN1 gene has not been published as a pathogenic variant, nor has it been reported as a benign variant to our knowledge. The N1422S variant was not observed in approximately 6,500 individuals of European and African American ancestry in the NHLBI Exome Sequencing Project, indicating it is not a common benign variant in these populations. This substitution occurs at a position that is conserved across species, and in silico analysis predicts this variant is probably damaging to the protein structure/function. Furthermore, multiple missense variants in nearby residues (C1420F, C1420Y, C1420W, L1421F, P1424S) have been reported in the Human Gene Mutation Database in association with Marfan syndrome (Stenson et al., 2014), supporting the functional importance of this region of the protein. However, the N1422S variant is a conservative amino acid substitution, which is not likely to impact secondary protein structure as these residues share similar properties.

Literature cited by the submitters: PubMed 28973303 (cited by Labcorp Genetics (formerly Invitae), Labcorp); PubMed 31536524 (cited by Labcorp Genetics (formerly Invitae), Labcorp).